The following is an entry in ClinVar:

ClinVar aggregate classification (germline): Pathogenic (1 of 4 stars; one submission).

Conditions:
Hereditary breast ovarian cancer syndrome. Also called: Hereditary breast and ovarian cancer syndrome; Hereditary breast and ovarian cancer syndrome (HBOC); BRCA1- and BRCA2-Associated Hereditary Breast and Ovarian Cancer; Hereditary breast and/or ovarian cancer syndrome; Hereditary breast and ovarian cancer; Breast and ovarian cancer. Identifiers: Orphanet 145, MedGen C0677776, MeSH D061325, MONDO:0003582. Disease mechanism: loss of function.

Submission:

Labcorp Genetics (formerly Invitae), Labcorp
Classification: Pathogenic for Hereditary breast ovarian cancer syndrome. Last evaluated: 2023-02-20. Review status: criteria provided, single submitter. Criteria: Invitae Variant Classification Sherloc (09022015). Collection method: clinical testing. Allele origin: germline.
Comment: For these reasons, this variant has been classified as Pathogenic. ClinVar contains an entry for this variant (Variation ID: 580898). This variant has not been reported in the literature in individuals affected with BRCA2-related conditions. This variant is not present in population databases (gnomAD no frequency). This sequence change creates a premature translational stop signal (p.His1731Ilefs*10) in the BRCA2 gene. It is expected to result in an absent or disrupted protein product. Loss-of-function variants in BRCA2 are known to be pathogenic (PMID: 20104584).

Literature cited by the submitters: PubMed 20104584.

NM_000059.4(BRCA2):c.5191del (p.His1731fs)

Gene: BRCA2 (BRCA2 DNA repair associated; plus strand). Cytogenetic location: 13q13.1.
Variant type: Deletion.
Coding change: c.5191del on transcript NM_000059.4 (MANE Select); coding-DNA position 5191, one base deleted (C; older notation c.5191delC).
Protein change: p.His1731fs; shifts the reading frame from histidine 1731.
Molecular consequence: frameshift variant.
Genome position (GRCh38, 1-based): chr13:32,339,546, C deleted. VCF-style (leftmost placement, unchanged base first): chr13-32339545-TC-T. GRCh37 (hg19) VCF-style: chr13-32913682-TC-T.
Other names: c.5191delC (NM_000059.3); short protein forms H1731fs.
Identifiers: ClinVar variation 580898 (VCV000580898.7), dbSNP rs1566231890, ClinGen allele CA891844233.